The following is an entry in ClinVar:

NM_001195263.2(PDZD7):c.582C>A (p.Cys194Ter)

Gene: PDZD7 (PDZ domain containing 7; minus strand). Cytogenetic location: 10q24.31.
Variant type: single nucleotide variant.
Coding change: c.582C>A on transcript NM_001195263.2 (MANE Select); coding-DNA position 582, C replaced by A.
Protein change: p.Cys194Ter; replaces cysteine 194 with a stop codon.
Molecular consequence: nonsense.
Genome position (GRCh38, 1-based): chr10:101,022,346, G>T on the plus strand (C>A on the coding strand, the complement: PDZD7 is on the minus strand). VCF-style: chr10-101022346-G-T. GRCh37 (hg19) VCF-style: chr10-102782103-G-T.
Other names: c.582C>A, p.Cys194Ter (NM_001351044.2, NM_024895.5); short protein forms C194*.
Identifiers: ClinVar variation 1933281 (VCV001933281.5), dbSNP rs137967850, ClinGen allele CA378230372.

ClinVar aggregate classification (germline): Pathogenic (1 of 4 stars; one submission).

gnomAD v4.1: 1 of 1,614,140 alleles (0.000062%); highest among the groups gnomAD compares: Admixed American, 0.0017%; no homozygotes.

Submission:

Labcorp Genetics (formerly Invitae), Labcorp
Classification: Pathogenic. Last evaluated: 2025-02-26. Review status: criteria provided, single submitter. Criteria: Invitae Variant Classification Sherloc (09022015). Collection method: clinical testing. Allele origin: germline.
Comment: This sequence change creates a premature translational stop signal (p.Cys194*) in the PDZD7 gene. It is expected to result in an absent or disrupted protein product. Loss-of-function variants in PDZD7 are known to be pathogenic (PMID: 20440071). This variant is present in population databases (no rsID available, gnomAD 0.003%). This variant has not been reported in the literature in individuals affected with PDZD7-related conditions. ClinVar contains an entry for this variant (Variation ID: 1933281). For these reasons, this variant has been classified as Pathogenic.

Literature cited by the submitters: PubMed 20440071.